The following is an entry in ClinVar:

ClinVar aggregate classification (germline): Likely benign (0 of 4 stars; one submission).

Conditions:
NDRG4-related disorder. Also called: NDRG4-related condition.

Allele frequency attached by ClinVar (database versions not stated): gnomAD 0.00007; gnomAD exomes 0.00009; ExAC 0.00011; TOPMed 0.00011.
gnomAD v4.1: 152 of 1,613,878 alleles (0.0094%); highest among the groups gnomAD compares: Middle Eastern, 0.066%; no homozygotes.

Submission:

PreventionGenetics, part of Exact Sciences
Classification: Likely benign for NDRG4-related condition. Last evaluated: 2020-07-31. Review status: no assertion criteria provided. Collection method: clinical testing. Allele origin: germline.
Comment: This variant is classified as likely benign based on ACMG/AMP sequence variant interpretation guidelines (Richards et al. 2015 PMID: 25741868, with internal and published modifications).

NM_001242835.2(NDRG4):c.654G>A (p.Thr218=)

Gene: NDRG4 (NDRG family member 4; plus strand). Cytogenetic location: 16q21.
Variant type: single nucleotide variant.
Coding change: c.654G>A on transcript NM_001242835.2 (MANE Select); coding-DNA position 654, G replaced by A.
Protein change: p.Thr218=; no amino-acid change (threonine 218 retained).
Molecular consequence: synonymous variant. On other transcripts: non-coding transcript variant (1).
Genome position (GRCh38, 1-based): chr16:58,507,841, G>A. VCF-style: chr16-58507841-G-A. GRCh37 (hg19) VCF-style: chr16-58541745-G-A.
Other names: c.810G>A, p.Thr270= (NM_001130487.2, NM_001378336.1); c.744G>A, p.Thr248= (NM_001242833.2, NM_001378344.1); c.708G>A, p.Thr236= (NM_001242834.2, NM_001378347.1); c.654G>A, p.Thr218= (NM_001242836.2); c.489G>A, p.Thr163= (NM_001363869.2); c.900G>A, p.Thr300= (NM_001378332.1, NM_001378334.1); c.864G>A, p.Thr288= (NM_001378333.1, NM_001378335.1); c.843G>A, p.Thr281= (NM_001378337.1); and 4 more.
Identifiers: ClinVar variation 3036774 (VCV003036774.2), dbSNP rs781381338, ClinGen allele CA8087662.